The following is an entry in ClinVar:

ClinVar aggregate classification (germline): Uncertain significance (1 of 4 stars; one submission).

Allele frequency attached by ClinVar (database versions not stated): gnomAD exomes below 0.00001.
gnomAD v4.1: 1 of 1,613,848 alleles (0.000062%); highest among the groups gnomAD compares: African/African-American, 0.0013%; no homozygotes.

Submission:

GeneDx
Classification: Uncertain significance. Last evaluated: 2023-01-04. Review status: criteria provided, single submitter. Criteria: GeneDx Variant Classification Process June 2021. Collection method: clinical testing. Allele origin: germline. Affected: yes.
Comment: Not observed at significant frequency in large population cohorts (gnomAD); In silico analysis supports that this missense variant does not alter protein structure/function; Has not been previously published as pathogenic or benign to our knowledge

NM_001931.5(DLAT):c.1621G>A (p.Val541Ile)

Genes: DLAT (dihydrolipoamide S-acetyltransferase; plus strand), PIH1D2 (PIH1 domain containing 2; minus strand). Cytogenetic location: 11q23.1.
Variant type: single nucleotide variant.
Coding change: c.1621G>A on transcript NM_001931.5 (MANE Select); coding-DNA position 1621, G replaced by A.
Protein change: p.Val541Ile; replaces valine 541 with isoleucine.
Molecular consequence: missense variant. On other transcripts: non-coding transcript variant (1).
Genome position (GRCh38, 1-based): chr11:112,060,009, G>A. VCF-style: chr11-112060009-G-A. GRCh37 (hg19) VCF-style: chr11-111930733-G-A.
Other names: c.1639G>A, p.Val547Ile (NM_001372031.1); c.1615G>A, p.Val539Ile (NM_001372032.1); c.1600G>A, p.Val534Ile (NM_001372033.1); c.1588G>A, p.Val530Ile (NM_001372034.1); c.1513G>A, p.Val505Ile (NM_001372035.1); c.1495G>A, p.Val499Ile (NM_001372036.1); c.1453G>A, p.Val485Ile (NM_001372037.1); c.1342G>A, p.Val448Ile (NM_001372038.1); and 4 more; short protein forms V387I, V400I, V414I, V436I, V448I, V485I, V499I, V505I.
Identifiers: ClinVar variation 1305220 (VCV001305220.2), dbSNP rs1864456588, ClinGen allele CA382617680.